The following is an entry in ClinVar:

ClinVar aggregate classification (germline): Likely pathogenic (1 of 4 stars; one submission).

Conditions:
Chédiak-Higashi syndrome (CHS). Also called: Chediak-Higashi Syndrome. Identifiers: Orphanet 167, MedGen C0007965, MONDO:0008963, OMIM 214500.

Submission:

Labcorp Genetics (formerly Invitae), Labcorp
Classification: Likely pathogenic for Chédiak-Higashi syndrome. Last evaluated: 2022-01-04. Review status: criteria provided, single submitter. Criteria: Invitae Variant Classification Sherloc (09022015). Collection method: clinical testing. Allele origin: germline.
Comment: In summary, the currently available evidence indicates that the variant is pathogenic, but additional data are needed to prove that conclusively. Therefore, this variant has been classified as Likely Pathogenic. Experimental studies and prediction algorithms are not available or were not evaluated, and the functional significance of this variant is currently unknown. A similar copy number variant has been observed in individual(s) with clinical features of Chediak-Higashi syndrome (Invitae). This variant is a gross deletion of the genomic region encompassing exon(s) 46-48 of the LYST gene. This variant would be expected to be in-frame, preserving the integrity of the reading frame.

NC_000001.10:g.(?_235850229)_(235860592_?)del

Gene: LYST (lysosomal trafficking regulator; minus strand). Cytogenetic location: 1q42.3.
Variant type: Deletion.
Identifiers: ClinVar variation 2422315 (VCV002422315.4).